The following is an entry in ClinVar:

ClinVar aggregate classification (germline): Uncertain significance. Review status: criteria provided, multiple submitters, no conflicts (2 of 4 stars). 4 submissions from 4 submitters: Uncertain significance (3). 1 of the submissions does not count toward it. Last evaluated 2022-07-12.

Conditions:
Cystic fibrosis (CF). Also called: MUCOVISCIDOSIS. Identifiers: Orphanet 586, MedGen C0010674, MONDO:0009061, OMIM 219700. Disease mechanism: loss of function.

Allele frequency attached by ClinVar (database versions not stated): TOPMed 0.00003; 1000 Genomes Project 0.00020; gnomAD exomes 0.00002; gnomAD 0.00003; 1000 Genomes Project 30x 0.00031; ExAC 0.00002.

Submissions (4):

Ambry Genetics
Classification: Uncertain significance for Cystic fibrosis. Last evaluated: 2022-07-12. Review status: criteria provided, single submitter. Criteria: Ambry Variant Classification Scheme 2023. Collection method: clinical testing. Allele origin: germline.
Comment: The p.M212V variant (also known as c.634A>G), located in coding exon 6 of the CFTR gene, results from an A to G substitution at nucleotide position 634. The methionine at codon 212 is replaced by valine, an amino acid with highly similar properties. This amino acid position is well conserved in available vertebrate species. In addition, this alteration is predicted to be tolerated by in silico analysis. Since supporting evidence is limited at this time, the clinical significance of this alteration remains unclear.

Labcorp Genetics (formerly Invitae), Labcorp
Classification: Uncertain significance for Cystic fibrosis. Last evaluated: 2021-09-01. Review status: criteria provided, single submitter. Criteria: Invitae Variant Classification Sherloc (09022015). Collection method: clinical testing. Allele origin: germline.
Comment: This sequence change replaces methionine with valine at codon 212 of the CFTR protein (p.Met212Val). The methionine residue is moderately conserved and there is a small physicochemical difference between methionine and valine. This variant is present in population databases (rs540269075, ExAC 0.02%). This variant has not been reported in the literature in individuals affected with CFTR-related conditions. Algorithms developed to predict the effect of missense changes on protein structure and function (SIFT, PolyPhen-2, Align-GVGD) all suggest that this variant is likely to be tolerated. In summary, the available evidence is currently insufficient to determine the role of this variant in disease. Therefore, it has been classified as a Variant of Uncertain Significance.

Mayo Clinic Laboratories, Mayo Clinic
Classification: Uncertain significance. Last evaluated: 2021-07-14. Review status: criteria provided, single submitter. Criteria: ACMG Guidelines, 2015. Collection method: clinical testing. Allele origin: germline.

Natera, Inc.
Classification: Uncertain significance for Cystic Fibrosis. Last evaluated: 2020-09-16. Review status: no assertion criteria provided. Collection method: clinical testing. Allele origin: germline. Not counted in ClinVar's aggregate classification.

NM_000492.4(CFTR):c.634A>G (p.Met212Val)

Gene: CFTR (CF transmembrane conductance regulator; plus strand). Cytogenetic location: 7q31.2.
Variant type: single nucleotide variant.
Coding change: c.634A>G on transcript NM_000492.4 (MANE Select); coding-DNA position 634, A replaced by G.
Protein change: p.Met212Val; replaces methionine 212 with valine.
Molecular consequence: missense variant.
Genome position (GRCh38, 1-based): chr7:117,535,302, A>G. VCF-style: chr7-117535302-A-G. GRCh37 (hg19) VCF-style: chr7-117175356-A-G.
Other names: p.Met212Val; short protein forms M212V.
Identifiers: ClinVar variation 583122 (VCV000583122.9), dbSNP rs540269075, ClinGen allele CA4450788.
Genomic context (GRCh38, chr7:117,535,302, plus strand): 5'-TTCCAGGGACTTGCATTGGCACATTTCGTGTGGATCGCTCCTTTGCAAGTGGCACTCCTC[A>G]TGGGGCTAATCTGGGAGTTGTTACAGGCGTCTGCCTTCTGTGGACTTGGTTTCCTGATAG-3'
Protein context (NP_000483.3, residues 202-222): WIAPLQVALL[Met212Val]GLIWELLQAS